The following is an entry in ClinVar:

ClinVar aggregate classification (germline): Benign/Likely benign. Review status: criteria provided, multiple submitters, no conflicts (2 of 4 stars). 8 submissions from 8 submitters: Benign (4); Likely benign (4). Last evaluated 2026-02-01.

Conditions:
CACNB2-related disorder. Also called: CACNB2-related condition.
Cardiovascular phenotype. Identifiers: MedGen CN230736.
Brugada syndrome 4 (BRGDA4). Identifiers: Orphanet 130, MedGen C2678477, MONDO:0012743, OMIM 611876.

Allele frequency attached by ClinVar (database versions not stated): gnomAD exomes 0.00024 and 0.00066; ExAC 0.00080; ESP Exome Variant Server 0.00254; gnomAD 0.00264 and 0.00282; TOPMed 0.00268; 1000 Genomes Project 0.00359; 1000 Genomes Project 30x 0.00359.
gnomAD v4.1: 770 of 1,614,018 alleles (0.048%); highest among the groups gnomAD compares: African/African-American, 0.88%; 1 homozygote.

Submissions (8):

Labcorp Genetics (formerly Invitae), Labcorp
Classification: Benign for Brugada syndrome 4. Last evaluated: 2026-02-01. Review status: criteria provided, single submitter. Criteria: Invitae Variant Classification Sherloc (09022015). Collection method: clinical testing. Allele origin: germline.

CeGaT Center for Human Genetics Tuebingen
Classification: Likely benign. Last evaluated: 2025-11-01. Review status: criteria provided, single submitter. Criteria: CeGaT Center For Human Genetics Tuebingen Variant Classification Criteria Version 2. Collection method: clinical testing. Allele origin: germline. Affected: yes. Observed: 1 variant allele.
Comment: CACNB2: BP4, BP7

PreventionGenetics, part of Exact Sciences
Classification: Benign for CACNB2-related condition. Last evaluated: 2025-02-12. Review status: criteria provided, single submitter. Criteria: ACMG Guidelines, 2015. Collection method: clinical testing. Allele origin: germline.
Comment: This variant is classified as benign based on ACMG/AMP sequence variant interpretation guidelines (Richards et al. 2015 PMID: 25741868, with internal and published modifications).

Blueprint Genetics
Classification: Likely benign. Last evaluated: 2024-11-25. Review status: criteria provided, single submitter. Criteria: ACMG Guidelines, 2015. Collection method: clinical testing. Allele origin: germline.

Women's Health and Genetics/Laboratory Corporation of America, LabCorp
Classification: Benign. Last evaluated: 2024-04-08. Review status: criteria provided, single submitter. Criteria: LabCorp Variant Classification Summary - May 2015. Collection method: clinical testing. Allele origin: germline.

Fulgent Genetics
Classification: Likely benign for Brugada syndrome 4. Last evaluated: 2022-02-23. Review status: criteria provided, single submitter. Criteria: ACMG Guidelines, 2015. Collection method: clinical testing. Allele origin: unknown.

Ambry Genetics
Classification: Likely benign for Cardiovascular phenotype. Last evaluated: 2015-11-05. Review status: criteria provided, single submitter. Criteria: Ambry Variant Classification Scheme 2023. Collection method: clinical testing. Allele origin: germline.

GeneDx
Classification: Benign. Last evaluated: 2014-10-07. Review status: criteria provided, single submitter. Criteria: GeneDx Variant Classification (06012015). Collection method: clinical testing. Allele origin: germline. Affected: yes.
Comment: This variant is considered likely benign or benign based on one or more of the following criteria: it is a conservative change, it occurs at a poorly conserved position in the protein, it is predicted to be benign by multiple in silico algorithms, and/or has population frequency not consistent with disease.

NM_201596.3(CACNB2):c.915T>C (p.Phe305=)

Gene: CACNB2 (calcium voltage-gated channel auxiliary subunit beta 2; plus strand). Cytogenetic location: 10p12.31.
Variant type: single nucleotide variant.
Coding change: c.915T>C on transcript NM_201596.3 (MANE Select); coding-DNA position 915, T replaced by C.
Protein change: p.Phe305=; no amino-acid change (phenylalanine 305 retained).
Molecular consequence: synonymous variant.
Genome position (GRCh38, 1-based): chr10:18,518,939, T>C. VCF-style: chr10-18518939-T-C. GRCh37 (hg19) VCF-style: chr10-18807868-T-C.
Other names: p.F250F:TTT>TTC; c.750T>C, p.Phe250= (NM_000724.4); c.717T>C, p.Phe239= (NM_001167945.2); c.636T>C, p.Phe212= (NM_001330060.2); c.771T>C, p.Phe257= (NM_201570.3); c.831T>C, p.Phe277= (NM_201571.4); c.759T>C, p.Phe253= (NM_201572.4); c.753T>C, p.Phe251= (NM_201590.3); and 2 more.
Identifiers: ClinVar variation 190715 (VCV000190715.25), dbSNP rs149586418, ClinGen allele CA301819.